The following is an entry in ClinVar:

ClinVar aggregate classification (germline): Pathogenic. Review status: reviewed by expert panel (3 of 4 stars). 2 submissions from 2 submitters: Pathogenic (1). 1 of the submissions does not count toward it. Last evaluated 2016-09-08.

Conditions:
Breast-ovarian cancer, familial, susceptibility to, 2 (BROVCA2). Also called: BRCA2 Hereditary Breast and Ovarian Cancer. Identifiers: Orphanet 145, MedGen C2675520, MONDO:0012933, OMIM 612555. Disease mechanism: loss of function.

Submissions (2):

Evidence-based Network for the Interpretation of Germline Mutant Alleles (ENIGMA)
Classification: Pathogenic for Breast-ovarian cancer, familial, susceptibility to, 2. Last evaluated: 2016-09-08. Review status: reviewed by expert panel. Criteria: ENIGMA BRCA1/2 Classification Criteria (2015). Collection method: curation. Allele origin: germline.
Comment: Variant allele predicted to encode a truncated non-functional protein.

Consortium of Investigators of Modifiers of BRCA1/2 (CIMBA), c/o University of Cambridge
Classification: Pathogenic for Breast-ovarian cancer, familial, susceptibility to, 2. Last evaluated: 2015-10-02. Review status: criteria provided, single submitter. Criteria: CIMBA Mutation Classification guidelines May 2016. Collection method: clinical testing. Allele origin: germline. Not counted in ClinVar's aggregate classification.

NM_000059.4(BRCA2):c.8767_8776del (p.Ser2922_Glu2923insTer)

Gene: BRCA2 (BRCA2 DNA repair associated; plus strand). Cytogenetic location: 13q13.1.
Variant type: Deletion.
Coding change: c.8767_8776del on transcript NM_000059.4 (MANE Select); coding-DNA positions 8767 to 8776, 10 bases deleted (GAAGAGCAGT; older notation c.8767_8776delGAAGAGCAGT).
Protein change: p.Ser2922_Glu2923insTer.
Molecular consequence: nonsense.
Genome position (GRCh38, 1-based): chr13:32,379,329-32,379,338, GAAGAGCAGT deleted; deleting any 10 consecutive bases within chr13:32,379,325-32,379,338 gives the same sequence; the c. name uses the placement nearest the transcript's 3' end. VCF-style (leftmost placement, unchanged base first): chr13-32379324-TCAGTGAAGAG-T. GRCh37 (hg19) VCF-style: chr13-32953461-TCAGTGAAGAG-T.
Other names: c.8767_8776delGAAGAGCAGT (NM_000059.3).
Identifiers: ClinVar variation 254627 (VCV000254627.5), dbSNP rs886038186, ClinGen allele CA10586592.